The following is an entry in ClinVar:

NM_001844.5(COL2A1):c.127G>C (p.Asp43His)

Gene: COL2A1 (collagen type II alpha 1 chain; minus strand). Cytogenetic location: 12q13.11.
Variant type: single nucleotide variant.
Coding change: c.127G>C on transcript NM_001844.5 (MANE Select); coding-DNA position 127, G replaced by C.
Protein change: p.Asp43His; replaces aspartic acid 43 with histidine.
Molecular consequence: missense variant. On other transcripts: intron variant (1).
Genome position (GRCh38, 1-based): chr12:48,000,084, C>G on the plus strand (G>C on the coding strand, the complement: COL2A1 is on the minus strand). VCF-style: chr12-48000084-C-G. GRCh37 (hg19) VCF-style: chr12-48393867-C-G.
Other names: c.86-1653G>C (NM_033150.3); short protein forms D43H.
Identifiers: ClinVar variation 3004702 (VCV003004702.3), dbSNP rs2540187816, ClinGen allele CA384526617.

ClinVar aggregate classification (germline): Uncertain significance (1 of 4 stars; one submission).

Submission:

Labcorp Genetics (formerly Invitae), Labcorp
Classification: Uncertain significance. Last evaluated: 2023-03-18. Review status: criteria provided, single submitter. Criteria: Invitae Variant Classification Sherloc (09022015). Collection method: clinical testing. Allele origin: germline.
Comment: In summary, the available evidence is currently insufficient to determine the role of this variant in disease. Therefore, it has been classified as a Variant of Uncertain Significance. Advanced modeling of protein sequence and biophysical properties (such as structural, functional, and spatial information, amino acid conservation, physicochemical variation, residue mobility, and thermodynamic stability) performed at Invitae indicates that this missense variant is not expected to disrupt COL2A1 protein function. This variant has not been reported in the literature in individuals affected with COL2A1-related conditions. This variant is not present in population databases (gnomAD no frequency). This sequence change replaces aspartic acid, which is acidic and polar, with histidine, which is basic and polar, at codon 43 of the COL2A1 protein (p.Asp43His).